The following is an entry in ClinVar:

ClinVar aggregate classification (germline): Uncertain significance (1 of 4 stars; one submission).

Submission:

Ambry Genetics
Classification: Uncertain significance. Last evaluated: 2024-12-06. Review status: criteria provided, single submitter. Criteria: Ambry Variant Classification Scheme 2023. Collection method: clinical testing. Allele origin: germline.
Comment: The p.N43T variant (also known as c.128A>C), located in coding exon 2 of the GFI1 gene, results from an A to C substitution at nucleotide position 128. The asparagine at codon 43 is replaced by threonine, an amino acid with similar properties. This amino acid position is conserved. In addition, this alteration is predicted to be tolerated by in silico analysis. Based on the available evidence, the clinical significance of this variant remains unclear.

NM_005263.5(GFI1):c.128A>C (p.Asn43Thr)

Gene: GFI1 (growth factor independent 1 transcriptional repressor; minus strand). Cytogenetic location: 1p22.1.
Variant type: single nucleotide variant.
Coding change: c.128A>C on transcript NM_005263.5 (MANE Select); coding-DNA position 128, A replaced by C.
Protein change: p.Asn43Thr; replaces asparagine 43 with threonine.
Molecular consequence: missense variant.
Genome position (GRCh38, 1-based): chr1:92,483,034, T>G on the plus strand (A>C on the coding strand, the complement: GFI1 is on the minus strand). VCF-style: chr1-92483034-T-G. GRCh37 (hg19) VCF-style: chr1-92948591-T-G.
Other names: c.128A>C, p.Asn43Thr (NM_001127215.3, NM_001127216.3); short protein forms N43T.
Identifiers: ClinVar variation 3519849 (VCV003519849.1).